The following is an entry in ClinVar:

ClinVar aggregate classification (germline): Likely benign (1 of 4 stars; one submission).

Allele frequency attached by ClinVar (database versions not stated): TOPMed 0.00001.
gnomAD v4.1: 40 of 1,554,794 alleles (0.0026%); highest among the groups gnomAD compares: South Asian, 0.016%; 1 homozygote.

Submission:

GeneDx
Classification: Likely benign. Last evaluated: 2017-07-03. Review status: criteria provided, single submitter. Criteria: GeneDx Variant Classification (06012015). Collection method: clinical testing. Allele origin: germline. Affected: yes.
Comment: This variant is considered likely benign or benign based on one or more of the following criteria: it is a conservative change, it occurs at a poorly conserved position in the protein, it is predicted to be benign by multiple in silico algorithms, and/or has population frequency not consistent with disease.

NM_020751.3(COG6):c.-41G>C

Gene: COG6 (component of oligomeric golgi complex 6; plus strand). Cytogenetic location: 13q14.11.
Variant type: single nucleotide variant.
Coding change: c.-41G>C on transcript NM_020751.3 (MANE Select); 41 bases upstream of the start codon, G replaced by C.
Molecular consequence: 5 prime UTR variant. On other transcripts: non-coding transcript variant (1).
Genome position (GRCh38, 1-based): chr13:39,655,686, G>C. VCF-style: chr13-39655686-G-C. GRCh37 (hg19) VCF-style: chr13-40229823-G-C.
Other names: c.-41G>C (NM_001145079.2).
Identifiers: ClinVar variation 510485 (VCV000510485.1), dbSNP rs188328396, ClinGen allele CA6958114.